The following is an entry in ClinVar:

NC_000012.11:g.(1920890_1949904)_(1984504_1987480)del

Genes: CACNA2D4 (calcium voltage-gated channel auxiliary subunit alpha2delta 4; minus strand), LRTM2 (leucine rich repeat transmembrane protein 2; plus strand). Cytogenetic location: 12p13.33.
Variant type: Deletion.
Identifiers: ClinVar variation 3907117 (VCV003907117.1).

ClinVar aggregate classification (germline): Uncertain significance (1 of 4 stars; one submission).

Submission:

Women's Health and Genetics/Laboratory Corporation of America, LabCorp
Classification: Uncertain significance. Last evaluated: 2025-06-16. Review status: criteria provided, single submitter. Criteria: LabCorp Variant Classification Summary - May 2015. Collection method: clinical testing. Allele origin: germline.
Comment: Variant summary: The variant involves the deletion of exons 17-26 in the CACNA2D4 gene. A presumed nomenclature of c.(1719+1_1720-1)_(2551+1_2552-1)del has been designated for the purposes of this classification. This Copy Number Variant (CNV) is expected to alter the reading frame and predicted to result in a truncation or absence of the encoded protein due to nonsense mediated decay (NMD). However, current evidence is not sufficient to establish loss of function as a mechanism for disease. The variant allele was found at a frequency of 0.00065 in 21694 control chromosomes (gnomAD, structural variants dataset v2.1). This frequency is not significantly higher than estimated for a pathogenic variant in CACNA2D4 causing Retinal Cone Dystrophy 4, allowing no conclusion about variant significance. A similar deletion has been observed in individual(s) affected with Retinal Cone Dystrophy or other inherited retinal disorders (e.g. Ba-Abbad_2016, Chiang_2018, Turro_2020, Hayman_2024). These individuals were almost exclusively of Ashkenazi Jewish descent and it has been indicated that there is a high carrier rate within this subpopulation (Chiang_2018, gnomAD CNV dataset v4.1), although current evidence is insufficient to determine whether it may represent a common disease variant or a benign polymorphism. These report(s) do not provide unequivocal conclusions about association of the variant with Retinal Cone Dystrophy 4. To our knowledge, no experimental evidence demonstrating an impact on protein function has been reported. The following publications have been ascertained in the context of this evaluation (PMID: 32581362, 26560832, 37798099, 28726569). ClinVar contains an entry for this variant (Variation ID: 1444304). Based on the evidence outlined above, the variant was classified as uncertain significance.

Literature cited by the submitters: PubMed 32581362; PubMed 37798099; PubMed 26560832; PubMed 28726569.